The following is an entry in ClinVar:

NM_017837.4(PIGV):c.1425C>G (p.Phe475Leu)

Gene: PIGV (phosphatidylinositol glycan anchor biosynthesis class V; plus strand). Cytogenetic location: 1p36.11.
Variant type: single nucleotide variant.
Coding change: c.1425C>G on transcript NM_017837.4 (MANE Select); coding-DNA position 1425, C replaced by G.
Protein change: p.Phe475Leu; replaces phenylalanine 475 with leucine.
Molecular consequence: missense variant. On other transcripts: non-coding transcript variant (2).
Genome position (GRCh38, 1-based): chr1:26,797,787, C>G. VCF-style: chr1-26797787-C-G. GRCh37 (hg19) VCF-style: chr1-27124278-C-G.
Other names: p.Phe475Leu; c.1425C>G, p.Phe475Leu (NM_001202554.2, NM_001374478.1, NM_001374480.1 and 2 more transcripts); c.1044C>G, p.Phe348Leu (NM_001374483.1); c.798C>G, p.Phe266Leu (NM_001374484.1, NM_001374485.1); c.303C>G, p.Phe101Leu (NM_001374486.1); short protein forms F101L, F266L, F348L, F475L.
Identifiers: ClinVar variation 2683704 (VCV002683704.2), dbSNP rs549740566, ClinGen allele CA19837079.

ClinVar aggregate classification (germline): Uncertain significance. Review status: criteria provided, multiple submitters, no conflicts (2 of 4 stars). 2 submissions from 2 submitters: Uncertain significance (2). Last evaluated 2024-06-07.

Conditions:
Inborn genetic diseases. Identifiers: MedGen C0950123, MeSH D030342.

Allele frequency attached by ClinVar (database versions not stated): gnomAD exomes below 0.00001; gnomAD 0.00001.
gnomAD v4.1: 3 of 1,614,106 alleles (0.00019%); highest among the groups gnomAD compares: Admixed American, 0.005%; no homozygotes.

Submissions (2):

Ambry Genetics
Classification: Uncertain significance for Inborn genetic diseases. Last evaluated: 2024-06-07. Review status: criteria provided, single submitter. Criteria: Ambry Variant Classification Scheme 2023. Collection method: clinical testing. Allele origin: germline.

Mayo Clinic Laboratories, Mayo Clinic
Classification: Uncertain significance. Last evaluated: 2022-09-29. Review status: criteria provided, single submitter. Criteria: ACMG Guidelines, 2015. Collection method: clinical testing. Allele origin: germline. Observed: 1 variant allele.
Comment: PM2